The following is an entry in ClinVar:

NM_015346.4(ZFYVE26):c.7458C>T (p.Tyr2486=)

Gene: ZFYVE26 (zinc finger FYVE-type containing 26; minus strand). Cytogenetic location: 14q24.1.
Variant type: single nucleotide variant.
Coding change: c.7458C>T on transcript NM_015346.4 (MANE Select); coding-DNA position 7458, C replaced by T.
Protein change: p.Tyr2486=; no amino-acid change (tyrosine 2486 retained).
Molecular consequence: synonymous variant.
Genome position (GRCh38, 1-based): chr14:67,748,598, G>A on the plus strand (C>T on the coding strand, the complement: ZFYVE26 is on the minus strand). VCF-style: chr14-67748598-G-A. GRCh37 (hg19) VCF-style: chr14-68215315-G-A.
Other names: c.7458C>T (NM_015346.3).
Identifiers: ClinVar variation 1158751 (VCV001158751.13), dbSNP rs766789454, ClinGen allele CA7238929.
Genomic context (GRCh38, chr14:67,748,598, plus strand): 5'-CTGCTGCACCTGCTGGACAAGGGCTGTGGCCCGTGAGTGTTCTTGCTTCACAGCAATCAA[G>A]TAGGCAGAACGCAGTTTGCAACATATCAGGTAGGCCCGAACCTGGCAGTCAGTTATAAGA-3'
Protein context (NP_056161.2, residues 2476-2496): YLICCKLRSA[Tyr2486=]LIAVKQEHSR

ClinVar aggregate classification (germline): Likely benign. Review status: criteria provided, multiple submitters, no conflicts (2 of 4 stars). 3 submissions from 3 submitters: Likely benign (2). 1 of the submissions does not count toward it. Last evaluated 2026-01-01.

Conditions:
ZFYVE26-related disorder. Also called: ZFYVE26-related condition.
Spastic paraplegia. Identifiers: MedGen C0037772, HP:0001258.

Allele frequency attached by ClinVar (database versions not stated): ExAC 0.00001; gnomAD 0.00001; gnomAD exomes 0.00002; TOPMed 0.00003.
gnomAD v4.1: 11 of 1,614,052 alleles (0.00068%); highest among the groups gnomAD compares: Admixed American, 0.017%; no homozygotes.

Submissions (3):

CeGaT Center for Human Genetics Tuebingen
Classification: Likely benign. Last evaluated: 2026-01-01. Review status: criteria provided, single submitter. Criteria: CeGaT Center For Human Genetics Tuebingen Variant Classification Criteria Version 2. Collection method: clinical testing. Allele origin: germline. Affected: yes. Observed: 1 variant allele.
Comment: ZFYVE26: BP4, BP7

Labcorp Genetics (formerly Invitae), Labcorp
Classification: Likely benign for Spastic paraplegia. Last evaluated: 2024-02-20. Review status: criteria provided, single submitter. Criteria: Invitae Variant Classification Sherloc (09022015). Collection method: clinical testing. Allele origin: germline.

PreventionGenetics, part of Exact Sciences
Classification: Likely benign for ZFYVE26-related condition. Last evaluated: 2019-11-12. Review status: no assertion criteria provided. Collection method: clinical testing. Allele origin: germline. Not counted in ClinVar's aggregate classification.
Comment: This variant is classified as likely benign based on ACMG/AMP sequence variant interpretation guidelines (Richards et al. 2015 PMID: 25741868, with internal and published modifications).